The following is an entry in ClinVar:

ClinVar aggregate classification (germline): Conflicting classifications of pathogenicity. Review status: criteria provided, conflicting classifications (1 of 4 stars). 5 submissions from 5 submitters: Uncertain significance (3); Likely benign (1). 1 of the submissions does not count toward it. Last evaluated 2025-12-22.

Conditions:
Peroxisome biogenesis disorder. Identifiers: Orphanet 79189, MedGen C1832200, MONDO:0019234. Disease mechanism: loss of function.
Inborn genetic diseases. Identifiers: MedGen C0950123, MeSH D030342.
Zellweger spectrum disorders (ZS). Also called: Zellweger Spectrum Disorder (ZSD); Zellweger Spectrum Disorder; Zellweger Spectrum; Zellweger syndrome. Identifiers: Orphanet 912, MedGen C0043459, MONDO:0019609.

Allele frequency attached by ClinVar (database versions not stated): gnomAD 0.00001; gnomAD exomes 0.00008 and 0.00020; TOPMed 0.00015; ExAC 0.00020.

Submissions (5):

Labcorp Genetics (formerly Invitae), Labcorp
Classification: Likely benign for Peroxisome biogenesis disorder. Last evaluated: 2025-12-22. Review status: criteria provided, single submitter. Criteria: Invitae Variant Classification Sherloc (09022015). Collection method: clinical testing. Allele origin: germline.

Ambry Genetics
Classification: Uncertain significance for Inborn genetic diseases. Last evaluated: 2025-12-02. Review status: criteria provided, single submitter. Criteria: Ambry Variant Classification Scheme 2023. Collection method: clinical testing. Allele origin: germline.

Mayo Clinic Laboratories, Mayo Clinic
Classification: Uncertain significance. Last evaluated: 2025-10-28. Review status: criteria provided, single submitter. Criteria: ACMG Guidelines, 2015. Collection method: clinical testing. Allele origin: germline. Observed: 1 variant allele.
Comment: PP3

Eurofins Ntd Llc (ga)
Classification: Uncertain significance. Last evaluated: 2017-03-21. Review status: criteria provided, single submitter. Criteria: EGL Classification Definitions 2015. Collection method: clinical testing. Allele origin: germline. Observed: 2 variant alleles, 2 heterozygotes.

Natera, Inc.
Classification: Uncertain significance for Zellweger syndrome. Last evaluated: 2019-10-28. Review status: no assertion criteria provided. Collection method: clinical testing. Allele origin: germline. Not counted in ClinVar's aggregate classification.

NM_000287.4(PEX6):c.2078C>A (p.Ala693Asp)

Gene: PEX6 (peroxisomal biogenesis factor 6; minus strand). Cytogenetic location: 6p21.1.
Variant type: single nucleotide variant.
Coding change: c.2078C>A on transcript NM_000287.4 (MANE Select); coding-DNA position 2078, C replaced by A.
Protein change: p.Ala693Asp; replaces alanine 693 with aspartic acid.
Molecular consequence: missense variant. On other transcripts: non-coding transcript variant (1).
Genome position (GRCh38, 1-based): chr6:42,966,541, G>T on the plus strand (C>A on the coding strand, the complement: PEX6 is on the minus strand). VCF-style: chr6-42966541-G-T. GRCh37 (hg19) VCF-style: chr6-42934279-G-T.
Other names: p.Ala693Asp; c.1814C>A, p.Ala605Asp (NM_001316313.2); short protein forms A693D, A605D.
Identifiers: ClinVar variation 500963 (VCV000500963.13), dbSNP rs748535121, ClinGen allele CA3811137.